The following is an entry in ClinVar:

NM_001103.4(ACTN2):c.2056A>C (p.Ile686Leu)

Gene: ACTN2 (actinin alpha 2; plus strand). Cytogenetic location: 1q43.
Variant type: single nucleotide variant.
Coding change: c.2056A>C on transcript NM_001103.4 (MANE Select); coding-DNA position 2056, A replaced by C.
Protein change: p.Ile686Leu; replaces isoleucine 686 with leucine.
Molecular consequence: missense variant.
Genome position (GRCh38, 1-based): chr1:236,755,100, A>C. VCF-style: chr1-236755100-A-C. GRCh37 (hg19) VCF-style: chr1-236918400-A-C.
Other names: c.2056A>C, p.Ile686Leu (NM_001278343.2); c.1432A>C, p.Ile478Leu (NM_001278344.2); short protein forms I686L, I478L.
Identifiers: ClinVar variation 387854 (VCV000387854.3), dbSNP rs534607483, ClinGen allele CA16603538.
Genomic context (GRCh38, chr1:236,755,100, plus strand): 5'-CAGATCACAGGAGCCCTGGAAGACCAGATGAACCAGCTGAAGCAGTATGAGCACAACATC[A>C]TCAACTATAAGAACAACATCGACAAGCTGGAGGGAGACCATCAGCTCATCCAGGAGGCCC-3'
Protein context (NP_001094.1, residues 676-696): NQLKQYEHNI[Ile686Leu]NYKNNIDKLE

ClinVar aggregate classification (germline): Uncertain significance. Review status: criteria provided, multiple submitters, no conflicts (2 of 4 stars). 2 submissions from 2 submitters: Uncertain significance (2). Last evaluated 2025-06-24.

Conditions:
Primary familial hypertrophic cardiomyopathy (HCM). Identifiers: Orphanet 99739, MedGen C0949658, MeSH D024741, MONDO:0024573. Inheritance: Various modes of inheritance.
Dilated cardiomyopathy 1AA (CMD1AA). Also called: Cardiomyopathy, dilated, 1AA, with or without LVNC; CARDIOMYOPATHY, FAMILIAL HYPERTROPHIC, 23, WITH OR WITHOUT LEFT VENTRICULAR NONCOMPACTION; CARDIOMYOPATHY, DILATED, 1AA, WITH OR WITHOUT LEFT VENTRICULAR NONCOMPACTION. Identifiers: Orphanet 154, MedGen C2677338, MONDO:0012808, OMIM 612158.

gnomAD v4.1: 1 of 1,614,226 alleles (0.000062%); highest among the groups gnomAD compares: Admixed American, 0.0017%; no homozygotes.

Submissions (2):

Labcorp Genetics (formerly Invitae), Labcorp
Classification: Uncertain significance for Primary familial hypertrophic cardiomyopathy; Dilated cardiomyopathy 1AA. Last evaluated: 2025-06-24. Review status: criteria provided, single submitter. Criteria: Invitae Variant Classification Sherloc (09022015). Collection method: clinical testing. Allele origin: germline.
Comment: This sequence change replaces isoleucine, which is neutral and non-polar, with leucine, which is neutral and non-polar, at codon 686 of the ACTN2 protein (p.Ile686Leu). This variant is not present in population databases (gnomAD no frequency). This variant has not been reported in the literature in individuals affected with ACTN2-related conditions. ClinVar contains an entry for this variant (Variation ID: 387854). Invitae Evidence Modeling of protein sequence and biophysical properties (such as structural, functional, and spatial information, amino acid conservation, physicochemical variation, residue mobility, and thermodynamic stability) indicates that this missense variant is not expected to disrupt ACTN2 protein function with a negative predictive value of 80%. In summary, the available evidence is currently insufficient to determine the role of this variant in disease. Therefore, it has been classified as a Variant of Uncertain Significance.

GeneDx
Classification: Uncertain significance. Last evaluated: 2017-03-02. Review status: criteria provided, single submitter. Criteria: GeneDx Variant Classification (06012015). Collection method: clinical testing. Allele origin: germline. Affected: yes.
Comment: A variant of uncertain significance has been identified in the ACTN2 gene. The I686L variant has notbeen published as a pathogenic variant, nor has it been reported as a benign variant to our knowledge.The I686L variant was not observed in approximately 6,500 individuals of European and AfricanAmerican ancestry in the NHLBI Exome Sequencing Project, indicating it is not a common benignvariant in these populations. However, the I686L variant is a conservative amino acid substitution,which is not likely to impact secondary protein structure as these residues share similar properties.This substitution occurs at a position where amino acids with similar properties to Isoleucine aretolerated across species. Finally, in silico analysis is inconsistent in its predictions as to whether or notthe variant is damaging to the protein structure/function.Therefore, based on the currently available information, it is unclear whether this variant ispathogenic or rare benign.